The following is an entry in ClinVar:

ClinVar aggregate classification (germline): Uncertain significance. Review status: criteria provided, multiple submitters, no conflicts (2 of 4 stars). 3 submissions from 3 submitters: Uncertain significance (3). Last evaluated 2026-04-20.

Conditions:
PCNT-related disorder. Also called: PCNT-related condition.
Inborn genetic diseases. Identifiers: MedGen C0950123, MeSH D030342.

Allele frequency attached by ClinVar (database versions not stated): ExAC 0.00013; 1000 Genomes Project 0.00020; ESP Exome Variant Server 0.00024; 1000 Genomes Project 30x 0.00031.
gnomAD v4.1: 417 of 1,611,520 alleles (0.026%); highest among the groups gnomAD compares: Non-Finnish European, 0.034%; no homozygotes.

Submissions (3):

PreventionGenetics, part of Exact Sciences
Classification: Uncertain significance for PCNT-related condition. Last evaluated: 2026-04-20. Review status: criteria provided, single submitter. Criteria: ACMG Guidelines, 2015. Collection method: clinical testing. Allele origin: germline.
Comment: The PCNT c.5668G>C variant is predicted to result in the amino acid substitution p.Glu1890Gln. To our knowledge, this variant has not been reported in the literature. This variant is reported in 0.021% of alleles in individuals of European (Finnish) descent in gnomAD. At this time, the clinical significance of this variant is uncertain due to the absence of conclusive functional and genetic evidence.

Ambry Genetics
Classification: Uncertain significance for Inborn genetic diseases. Last evaluated: 2023-03-24. Review status: criteria provided, single submitter. Criteria: Ambry Variant Classification Scheme 2023. Collection method: clinical testing. Allele origin: germline.

Labcorp Genetics (formerly Invitae), Labcorp
Classification: Uncertain significance. Last evaluated: 2022-08-08. Review status: criteria provided, single submitter. Criteria: Invitae Variant Classification Sherloc (09022015). Collection method: clinical testing. Allele origin: germline.
Comment: This sequence change replaces glutamic acid, which is acidic and polar, with glutamine, which is neutral and polar, at codon 1890 of the PCNT protein (p.Glu1890Gln). This variant is present in population databases (rs201631915, gnomAD 0.02%). This variant has not been reported in the literature in individuals affected with PCNT-related conditions. Algorithms developed to predict the effect of missense changes on protein structure and function output the following: SIFT: "Tolerated"; PolyPhen-2: "Possibly Damaging"; Align-GVGD: "Class C0". The glutamine amino acid residue is found in multiple mammalian species, which suggests that this missense change does not adversely affect protein function. In summary, the available evidence is currently insufficient to determine the role of this variant in disease. Therefore, it has been classified as a Variant of Uncertain Significance.

NM_006031.6(PCNT):c.5668G>C (p.Glu1890Gln)

Gene: PCNT (pericentrin; plus strand). Cytogenetic location: 21q22.3.
Variant type: single nucleotide variant.
Coding change: c.5668G>C on transcript NM_006031.6 (MANE Select); coding-DNA position 5668, G replaced by C.
Protein change: p.Glu1890Gln; replaces glutamic acid 1890 with glutamine.
Molecular consequence: missense variant.
Genome position (GRCh38, 1-based): chr21:46,411,741, G>C. VCF-style: chr21-46411741-G-C. GRCh37 (hg19) VCF-style: chr21-47831655-G-C.
Other names: c.5314G>C, p.Glu1772Gln (NM_001315529.2); c.5668G>C (NM_006031.5); short protein forms E1890Q, E1772Q.
Identifiers: ClinVar variation 2190212 (VCV002190212.7), dbSNP rs201631915, ClinGen allele CA10080055.